The following is an entry in ClinVar:

NM_015404.4(WHRN):c.1160C>T (p.Ser387Leu)

Gene: WHRN (whirlin; minus strand). Cytogenetic location: 9q32.
Variant type: single nucleotide variant.
Coding change: c.1160C>T on transcript NM_015404.4 (MANE Select); coding-DNA position 1160, C replaced by T.
Protein change: p.Ser387Leu; replaces serine 387 with leucine.
Molecular consequence: missense variant.
Genome position (GRCh38, 1-based): chr9:114,426,217, G>A on the plus strand (C>T on the coding strand, the complement: WHRN is on the minus strand). VCF-style: chr9-114426217-G-A. GRCh37 (hg19) VCF-style: chr9-117188497-G-A.
Other names: c.1160C>T (NM_015404.2); c.11C>T, p.Ser4Leu (NM_001083885.3); c.1160C>T, p.Ser387Leu (NM_001173425.2); short protein forms S387L, S4L.
Identifiers: ClinVar variation 364694 (VCV000364694.6), dbSNP rs763451514, ClinGen allele CA5206067.
Genomic context (GRCh38, chr9:114,426,217, plus strand): 5'-GCTTTCAGAAATGGCCCTGGGGTCTGGAGATTGGAGCGAGCAGAGTGGCCAGACCCTGCC[G>A]AGTTCGCCATGGTCTCCCTGATCCGGGAACTGGCGATCCACTTGGTCTCGTCCACAGTGG-3'
Protein context (NP_056219.3, residues 377-397): SSRIRETMAN[Ser387Leu]AGFLGDLTTE

ClinVar aggregate classification (germline): Uncertain significance. Review status: criteria provided, multiple submitters, no conflicts (2 of 4 stars). 3 submissions from 2 submitters: Uncertain significance (3). Last evaluated 2024-09-09.

Conditions:
Autosomal recessive nonsyndromic hearing loss 31. Also called: WHIRLER, MOUSE, HOMOLOG OF. Identifiers: Orphanet 90636, MedGen C1846839, MONDO:0011767, OMIM 607084.
Usher syndrome type 2D. Also called: USHER SYNDROME, TYPE IID. Identifiers: Orphanet 231178, Orphanet 886, MedGen C1568249, MONDO:0012662, OMIM 611383.

Allele frequency attached by ClinVar (database versions not stated): gnomAD 0.00003; gnomAD exomes 0.00003 and 0.00007; TOPMed 0.00004; ExAC 0.00005.
gnomAD v4.1: 112 of 1,612,080 alleles (0.0069%); highest among the groups gnomAD compares: Non-Finnish European, 0.0091%; no homozygotes.

Submissions (3):

GeneDx
Classification: Uncertain significance. Last evaluated: 2024-09-09. Review status: criteria provided, single submitter. Criteria: GeneDx Variant Classification Process June 2021. Collection method: clinical testing. Allele origin: germline. Affected: yes.
Comment: Not observed at significant frequency in large population cohorts (gnomAD); In silico analysis indicates that this missense variant does not alter protein structure/function; Has not been previously published as pathogenic or benign to our knowledge

Illumina Laboratory Services, Illumina
Classification: Uncertain significance for Usher syndrome type 2D. Last evaluated: 2018-01-12. Review status: criteria provided, single submitter. Criteria: ICSL Variant Classification Criteria 13 December 2019. Collection method: clinical testing. Allele origin: germline.

Illumina Laboratory Services, Illumina
Classification: Uncertain significance for Autosomal recessive nonsyndromic hearing loss 31. Last evaluated: 2018-01-12. Review status: criteria provided, single submitter. Criteria: ICSL Variant Classification Criteria 13 December 2019. Collection method: clinical testing. Allele origin: germline.